The following is an entry in ClinVar:

NM_153266.4(TMEM151A):c.364G>C (p.Val122Leu)

Gene: TMEM151A (transmembrane protein 151A; plus strand). Cytogenetic location: 11q13.2.
Variant type: single nucleotide variant.
Coding change: c.364G>C on transcript NM_153266.4 (MANE Select); coding-DNA position 364, G replaced by C.
Protein change: p.Val122Leu; replaces valine 122 with leucine.
Molecular consequence: missense variant.
Genome position (GRCh38, 1-based): chr11:66,294,610, G>C. VCF-style: chr11-66294610-G-C. GRCh37 (hg19) VCF-style: chr11-66062081-G-C.
Other names: short protein forms V122L.
Identifiers: ClinVar variation 3457870 (VCV003457870.3).

ClinVar aggregate classification (germline): Conflicting classifications of pathogenicity. Review status: criteria provided, conflicting classifications (1 of 4 stars). 2 submissions from 2 submitters: Uncertain significance (1); Likely benign (1). Last evaluated 2026-04-01.

Conditions:
Inborn genetic diseases. Identifiers: MedGen C0950123, MeSH D030342.

Submissions (2):

CeGaT Center for Human Genetics Tuebingen
Classification: Likely benign. Last evaluated: 2026-04-01. Review status: criteria provided, single submitter. Criteria: CeGaT Center For Human Genetics Tuebingen Variant Classification Criteria Version 2. Collection method: clinical testing. Allele origin: germline. Affected: yes. Observed: 1 variant allele.
Comment: TMEM151A: BS1

Ambry Genetics
Classification: Uncertain significance for Inborn genetic diseases. Last evaluated: 2024-08-20. Review status: criteria provided, single submitter. Criteria: Ambry Variant Classification Scheme 2023. Collection method: clinical testing. Allele origin: germline.